The following is an entry in ClinVar:

NM_033225.6(CSMD1):c.1562-8A>G

Gene: CSMD1 (CUB and Sushi multiple domains 1; minus strand). Cytogenetic location: 8p23.2.
Variant type: single nucleotide variant.
Coding change: c.1562-8A>G on transcript NM_033225.6 (MANE Select); 8 bases into the intron before coding-DNA position 1562, A replaced by G.
Molecular consequence: intron variant.
Genome position (GRCh38, 1-based): chr8:3,409,613, T>C on the plus strand (A>G on the coding strand, the complement: CSMD1 is on the minus strand). VCF-style: chr8-3409613-T-C. GRCh37 (hg19) VCF-style: chr8-3267135-T-C.
Identifiers: ClinVar variation 3058087 (VCV003058087.2), dbSNP rs752732041, ClinGen allele CA4608758.

ClinVar aggregate classification (germline): Likely benign (0 of 4 stars; one submission).

Conditions:
CSMD1-related disorder. Also called: CSMD1-related condition.

Allele frequency attached by ClinVar (database versions not stated): TOPMed 0.00002; gnomAD 0.00003; ExAC 0.00016.
gnomAD v4.1: 113 of 1,568,470 alleles (0.0072%); highest among the groups gnomAD compares: Middle Eastern, 0.017%; no homozygotes.

Submission:

PreventionGenetics, part of Exact Sciences
Classification: Likely benign for CSMD1-related condition. Last evaluated: 2019-04-11. Review status: no assertion criteria provided. Collection method: clinical testing. Allele origin: germline.
Comment: This variant is classified as likely benign based on ACMG/AMP sequence variant interpretation guidelines (Richards et al. 2015 PMID: 25741868, with internal and published modifications).